The following is an entry in ClinVar:

ClinVar aggregate classification (germline): Likely benign. Review status: criteria provided, single submitter (1 of 4 stars). 2 submissions from 2 submitters: Likely benign (1). 1 of the submissions does not count toward it. Last evaluated 2023-03-23.

Conditions:
Breast-ovarian cancer, familial, susceptibility to, 2 (BROVCA2). Also called: BRCA2 Hereditary Breast and Ovarian Cancer. Identifiers: Orphanet 145, MedGen C2675520, MONDO:0012933, OMIM 612555. Disease mechanism: loss of function.
Hereditary cancer-predisposing syndrome. Also called: Neoplastic Syndromes, Hereditary; Tumor predisposition; Hereditary Cancer Syndrome; Hereditary neoplastic syndrome. Identifiers: Orphanet 140162, MedGen C0027672, MeSH D009386, MONDO:0015356.

Submissions (2):

University of Washington Department of Laboratory Medicine, University of Washington
Classification: Likely benign for Hereditary cancer-predisposing syndrome. Last evaluated: 2023-03-23. Review status: criteria provided, single submitter. Criteria: Dines et al. (Genet Med. 2020). Collection method: curation. Allele origin: germline.
Comment: Missense variant in a coldspot region where missense variants are very unlikely to be pathogenic (PMID:31911673).

BRCA2 exon 11 coldspot. Reclassification based on statistical prior probability.

Breast Cancer Information Core (BIC) (BRCA2)
Classification: Uncertain significance for Breast-ovarian cancer, familial 2. Last evaluated: 1998-11-30. Review status: no assertion criteria provided. Collection method: clinical testing. Allele origin: germline. Affected: yes. Observed: 1 variant allele. Not counted in ClinVar's aggregate classification.

NM_000059.4(BRCA2):c.2119G>T (p.Asp707Tyr)

Gene: BRCA2 (BRCA2 DNA repair associated; plus strand). Cytogenetic location: 13q13.1.
Variant type: single nucleotide variant.
Coding change: c.2119G>T on transcript NM_000059.4 (MANE Select); coding-DNA position 2119, G replaced by T.
Protein change: p.Asp707Tyr; replaces aspartic acid 707 with tyrosine.
Molecular consequence: missense variant.
Genome position (GRCh38, 1-based): chr13:32,336,474, G>T. VCF-style: chr13-32336474-G-T. GRCh37 (hg19) VCF-style: chr13-32910611-G-T.
Other names: short protein forms D707Y.
Identifiers: ClinVar variation 51245 (VCV000051245.4), dbSNP rs80358487, ClinGen allele CA014375.